The following is an entry in ClinVar:

NM_001151.4(SLC25A4):c.256_263del (p.Ala86fs)

Gene: SLC25A4 (solute carrier family 25 member 4; plus strand). Cytogenetic location: 4q35.1.
Variant type: Deletion.
Coding change: c.256_263del on transcript NM_001151.4 (MANE Select); coding-DNA positions 256 to 263, 8 bases deleted (GCTCTCAA; older notation c.256_263delGCTCTCAA).
Protein change: p.Ala86fs; shifts the reading frame from alanine 86.
Molecular consequence: frameshift variant.
Genome position (GRCh38, 1-based): chr4:185,144,908-185,144,915, GCTCTCAA deleted; deleting any 8 consecutive bases within chr4:185,144,905-185,144,915 gives the same sequence; the c. name uses the placement nearest the transcript's 3' end. VCF-style (leftmost placement, unchanged base first): chr4-185144904-CCAAGCTCT-C. GRCh37 (hg19) VCF-style: chr4-186066058-CCAAGCTCT-C.
Other names: short protein forms A86fs.
Identifiers: ClinVar variation 994105 (VCV000994105.8), dbSNP rs1734410152, ClinGen allele CA1139658351.
Genomic context (GRCh38, chr4:185,144,904, plus strand): 5'-GCAGGGCTTCCTCTCCTTCTGGAGGGGTAACCTGGCCAACGTGATCCGTTACTTCCCCAC[CCAAGCTCT>C]CAACTTCGCCTTCAAGGACAAGTACAAGCAGCTCTTCTTAGGGGGTGTGGATCGGCATAA-3'

ClinVar aggregate classification (germline): Likely pathogenic (1 of 4 stars; one submission).

Submission:

ARUP Laboratories, Molecular Genetics and Genomics, ARUP Laboratories
Classification: Likely pathogenic. Last evaluated: 2020-04-07. Review status: criteria provided, single submitter. Criteria: ARUP Molecular Germline Variant Investigation Process. Collection method: clinical testing. Allele origin: germline.
Comment: The SLC25A4 c.256_263delGCTCTCAA; p.Ala86Leufs*19 variant, to our knowledge, is not reported in the medical literature or gene-specific databases. This variant is also absent from general population databases (Exome Variant Server, Genome Aggregation Database), indicating it is not a common polymorphism. This variant causes a frameshift by deleting eight nucleotides, so it is predicted to result in a truncated protein or mRNA subject to nonsense-mediated decay. Further, truncating variants in this gene are known to be causative for autosomal recessive disease (Echaniz-Laguna 2012, Strauss 2013, Tosserams 2018). Based on available information, the p.Ala86Leufs*19 variant is considered to be likely pathogenic. References: Echaniz-Laguna A et al. Complete loss of expression of the ANT1 gene causing cardiomyopathy and myopathy. J Med Genet. 2012 Feb;49(2):146-50. Strauss KA et al. Severity of cardiomyopathy associated with adenine nucleotide translocator-1 deficiency correlates with mtDNA haplogroup. Proc Natl Acad Sci U S A. 2013 Feb 26;110(9):3453-8. Tosserams A et al. Two new cases of mitochondrial myopathy with exercise intolerance, hyperlactatemia and cardiomyopathy, caused by recessive SLC25A4 mutations. Mitochondrion. 2018 Mar;39:26-29.